The following is an entry in ClinVar:

ClinVar aggregate classification (germline): Uncertain significance (1 of 4 stars; one submission).

Conditions:
Hypertrophic cardiomyopathy 1 (CMH1). Also called: MYH7-Related Familial Hypertrophic Cardiomyopathy; Familial hypertrophic cardiomyopathy 1. Identifiers: MedGen C3495498, MONDO:0008647, OMIM 192600.

Allele frequency attached by ClinVar (database versions not stated): gnomAD 0.00001.

Submission:

Labcorp Genetics (formerly Invitae), Labcorp
Classification: Uncertain significance for Hypertrophic cardiomyopathy 1. Last evaluated: 2024-08-08. Review status: criteria provided, single submitter. Criteria: Invitae Variant Classification Sherloc (09022015). Collection method: clinical testing. Allele origin: germline.
Comment: This sequence change replaces aspartic acid, which is acidic and polar, with tyrosine, which is neutral and polar, at codon 63 of the MYLK2 protein (p.Asp63Tyr). This variant is present in population databases (rs779321042, gnomAD 0.04%). This variant has not been reported in the literature in individuals affected with MYLK2-related conditions. ClinVar contains an entry for this variant (Variation ID: 1040033). Advanced modeling of protein sequence and biophysical properties (such as structural, functional, and spatial information, amino acid conservation, physicochemical variation, residue mobility, and thermodynamic stability) performed at Invitae indicates that this missense variant is not expected to disrupt MYLK2 protein function with a negative predictive value of 80%. Algorithms developed to predict the effect of sequence changes on RNA splicing suggest that this variant may create or strengthen a splice site. In summary, the available evidence is currently insufficient to determine the role of this variant in disease. Therefore, it has been classified as a Variant of Uncertain Significance.

NM_033118.4(MYLK2):c.187G>T (p.Asp63Tyr)

Gene: MYLK2 (myosin light chain kinase 2; plus strand). Cytogenetic location: 20q11.21.
Variant type: single nucleotide variant.
Coding change: c.187G>T on transcript NM_033118.4 (MANE Select); coding-DNA position 187, G replaced by T.
Protein change: p.Asp63Tyr; replaces aspartic acid 63 with tyrosine.
Molecular consequence: missense variant.
Genome position (GRCh38, 1-based): chr20:31,820,260, G>T. VCF-style: chr20-31820260-G-T. GRCh37 (hg19) VCF-style: chr20-30408063-G-T.
Other names: short protein forms D63Y.
Identifiers: ClinVar variation 1040033 (VCV001040033.6), dbSNP rs779321042, ClinGen allele CA9802859.